The following is an entry in ClinVar:

NM_000094.4(COL7A1):c.8226+1G>T

Gene: COL7A1 (collagen type VII alpha 1 chain; minus strand). Cytogenetic location: 3p21.31.
Variant type: single nucleotide variant.
Coding change: c.8226+1G>T on transcript NM_000094.4 (MANE Select); the canonical splice donor site of the intron after coding-DNA position 8226, G replaced by T.
Molecular consequence: splice donor variant.
Genome position (GRCh38, 1-based): chr3:48,566,906, C>A on the plus strand (G>T on the coding strand, the complement: COL7A1 is on the minus strand). VCF-style: chr3-48566906-C-A. GRCh37 (hg19) VCF-style: chr3-48604339-C-A.
Identifiers: ClinVar variation 1995263 (VCV001995263.5), dbSNP rs2530817264, ClinGen allele CA352639221.
Genomic context (GRCh38, chr3:48,566,906, plus strand): 5'-TTATGAGGTTGGAAGGGTAGGGAAGGTTCAGGGATCAGGAGTCAGAGCTGGGGCCCCTTA[C>A]CTTCTGGCCCTGAAGTCCTTCGGGGCCTCTGGGACCAACACTGCCAGGTGGCCCTGGGGG-3'

ClinVar aggregate classification (germline): Likely pathogenic (1 of 4 stars; one submission).

Submissions (2):

Labcorp Genetics (formerly Invitae), Labcorp
Classification: Likely pathogenic. Last evaluated: 2022-05-16. Review status: criteria provided, single submitter. Criteria: Invitae Variant Classification Sherloc (09022015). Collection method: clinical testing. Allele origin: germline.
Comment: Algorithms developed to predict the effect of sequence changes on RNA splicing suggest that this variant may disrupt the consensus splice site. In summary, the currently available evidence indicates that the variant is pathogenic, but additional data are needed to prove that conclusively. Therefore, this variant has been classified as Likely Pathogenic. This variant has not been reported in the literature in individuals affected with COL7A1-related conditions. This variant is not present in population databases (gnomAD no frequency). This sequence change affects a donor splice site in intron 110 of the COL7A1 gene. It is expected to disrupt splicing. Variants that disrupt the donor or acceptor splice site typically lead to a loss of protein function (PMID: 16199547), and loss-of-function variants in COL7A1 are known to be disease-causing for autosomal recessive dystrophic epidermolysis bullosa (PMID: 16971478). However, certain variants affecting donor or acceptor splice sites in the triple helical domain of COL7A1 are expected to result in in-frame exon skipping and have been reported to cause autosomal dominant dystrophic epidermolysis bullosa (PMID: 31670143).

Dr. Peter K. Rogan Lab, Western University
No classification provided (evidence only). Condition: Lung cancer. Review status: no classification provided. Collection method: in vitro. Allele origin: not applicable. Functional consequence: retained intron. Not counted in ClinVar's aggregate classification.

Literature cited by the submitters: PubMed 16199547 (cited by Labcorp Genetics (formerly Invitae), Labcorp); PubMed 16971478 (cited by Labcorp Genetics (formerly Invitae), Labcorp); PubMed 31670143 (cited by Labcorp Genetics (formerly Invitae), Labcorp).